The following is an entry in ClinVar:

ClinVar aggregate classification (germline): Uncertain significance (1 of 4 stars; one submission).

Conditions:
Hepatic methionine adenosyltransferase deficiency. Also called: Deficiency of methionine adenosyltransferase; MAT I/III DEFICIENCY; Isolated Persistent Hypermethioninemia; Methionine adenosyltransferase deficiency. Identifiers: Orphanet 168598, MedGen C0268621, MeSH C564683, MONDO:0009607, OMIM 250850.

gnomAD v4.1: 1 of 1,612,700 alleles (0.000062%); highest among the groups gnomAD compares: African/African-American, 0.0013%; no homozygotes.

Submission:

Labcorp Genetics (formerly Invitae), Labcorp
Classification: Uncertain significance for Hepatic methionine adenosyltransferase deficiency. Last evaluated: 2025-12-28. Review status: criteria provided, single submitter. Criteria: Invitae Variant Classification Sherloc (09022015). Collection method: clinical testing. Allele origin: germline.
Comment: This sequence change replaces glycine, which is neutral and non-polar, with valine, which is neutral and non-polar, at codon 280 of the MAT1A protein (p.Gly280Val). The frequency data for this variant in the population databases is considered unreliable, as metrics indicate poor data quality at this position in the gnomAD database. This missense change has been observed in individual(s) with MAT1A-related conditions (PMID: 31061746; internal data). ClinVar contains an entry for this variant (Variation ID: 2907399). Invitae Evidence Modeling of protein sequence and biophysical properties (such as structural, functional, and spatial information, amino acid conservation, physicochemical variation, residue mobility, and thermodynamic stability) indicates that this missense variant is expected to disrupt MAT1A protein function with a positive predictive value of 80%. In summary, the available evidence is currently insufficient to determine the role of this variant in disease. Therefore, it has been classified as a Variant of Uncertain Significance.

Literature cited by the submitters: PubMed 31061746.

NM_000429.3(MAT1A):c.839G>T (p.Gly280Val)

Gene: MAT1A (methionine adenosyltransferase 1A; minus strand). Cytogenetic location: 10q22.3.
Variant type: single nucleotide variant.
Coding change: c.839G>T on transcript NM_000429.3 (MANE Select); coding-DNA position 839, G replaced by T.
Protein change: p.Gly280Val; replaces glycine 280 with valine.
Molecular consequence: missense variant.
Genome position (GRCh38, 1-based): chr10:80,275,129, C>A on the plus strand (G>T on the coding strand, the complement: MAT1A is on the minus strand). VCF-style: chr10-80275129-C-A. GRCh37 (hg19) VCF-style: chr10-82034885-C-A.
Other names: short protein forms G280V.
Identifiers: ClinVar variation 2907399 (VCV002907399.3), dbSNP rs1320353405, ClinGen allele CA377360765.
Genomic context (GRCh38, chr10:80,275,129, plus strand): 5'-CAGCGGGCAGCATATGCAGCTGAGCGGTCTACCTTGGTGTAGTCCTTCCCAGAGAAGGCC[C>A]CACCACCATGAGCCCCCCAGCCGCCATAGGTGTCCACAATAATCTTACGGCCAGTGACAC-3'
Protein context (NP_000420.1, residues 270-290): TYGGWGAHGG[Gly280Val]AFSGKDYTKV